The following is an entry in ClinVar:

ClinVar aggregate classification (germline): Likely benign. Review status: criteria provided, single submitter (1 of 4 stars). 2 submissions from 2 submitters: Likely benign (1). 1 of the submissions does not count toward it. Last evaluated 2022-07-01.

Conditions:
DRD4-related disorder. Also called: DRD4-related condition.

Allele frequency attached by ClinVar (database versions not stated): gnomAD 0.00008; TOPMed 0.00013; ESP Exome Variant Server 0.00016; gnomAD exomes 0.00022; ExAC 0.00024.
gnomAD v4.1: 308 of 1,525,150 alleles (0.02%); highest among the groups gnomAD compares: Non-Finnish European, 0.025%; no homozygotes.

Submissions (2):

CeGaT Center for Human Genetics Tuebingen
Classification: Likely benign. Last evaluated: 2022-07-01. Review status: criteria provided, single submitter. Criteria: CeGaT Center For Human Genetics Tuebingen Variant Classification Criteria Version 2. Collection method: clinical testing. Allele origin: germline. Affected: yes. Observed: 1 variant allele.
Comment: DRD4: BP4, BP7

PreventionGenetics, part of Exact Sciences
Classification: Likely benign for DRD4-related condition. Last evaluated: 2019-09-17. Review status: no assertion criteria provided. Collection method: clinical testing. Allele origin: germline. Not counted in ClinVar's aggregate classification.
Comment: This variant is classified as likely benign based on ACMG/AMP sequence variant interpretation guidelines (Richards et al. 2015 PMID: 25741868, with internal and published modifications).

NM_000797.4(DRD4):c.234C>T (p.Ala78=)

Gene: DRD4 (dopamine receptor D4; plus strand). Cytogenetic location: 11p15.5.
Variant type: single nucleotide variant.
Coding change: c.234C>T on transcript NM_000797.4 (MANE Select); coding-DNA position 234, C replaced by T.
Protein change: p.Ala78=; no amino-acid change (alanine 78 retained).
Molecular consequence: synonymous variant.
Genome position (GRCh38, 1-based): chr11:637,538, C>T. VCF-style: chr11-637538-C-T. GRCh37 (hg19) VCF-style: chr11-637538-C-T.
Other names: c.234C>T (NM_000797.3).
Identifiers: ClinVar variation 2641080 (VCV002641080.25), dbSNP rs370549757, ClinGen allele CA5785565.